The following is an entry in ClinVar:

NM_000080.4(CHRNE):c.1144GAG[1] (p.Glu383del)

Genes: CHRNE (cholinergic receptor nicotinic epsilon subunit; minus strand), LOC130060040 (ATAC-STARR-seq lymphoblastoid silent region 8049; plus strand). Cytogenetic location: 17p13.2.
Variant type: Microsatellite.
Coding change: c.1144GAG[1] on transcript NM_000080.4 (MANE Select); one copy of the 3-base unit GAG starting at c.1144; the reference has two copies in a row; one copy, 3 bases deleted; also written c.1147_1149del.
Protein change: p.Glu383del; deletes glutamic acid 383.
Molecular consequence: inframe deletion.
Genome position (GRCh38, 1-based): chr17:4,899,268-4,899,270, CTC deleted on the plus strand (GAG on the coding strand, the reverse complement: CHRNE is on the minus strand); deleting any 3 consecutive bases within chr17:4,899,268-4,899,274 gives the same sequence; the position shown is the placement nearest the transcript's 3' end. VCF-style (leftmost placement, unchanged base first): chr17-4899267-GCTC-G. GRCh37 (hg19) VCF-style: chr17-4802562-GCTC-G.
Other names: c.1147_1149del (NM_000080.4); short protein forms E383del.
Identifiers: ClinVar variation 1003457 (VCV001003457.7), dbSNP rs961784740, ClinGen allele CA287180016.

ClinVar aggregate classification (germline): Uncertain significance. Review status: criteria provided, single submitter (1 of 4 stars). 2 submissions from 2 submitters: Uncertain significance (1). 1 of the submissions does not count toward it. Last evaluated 2022-09-01.

Conditions:
Congenital myasthenic syndrome 4A. Also called: MYASTHENIC SYNDROME, CONGENITAL, 4A, SLOW-CHANNEL, AUTOSOMAL RECESSIVE; Myasthenic syndrome, congenital, 4a, slow-channel; CONGENITAL MYASTHENIC SYNDROME TYPE Ia1. Identifiers: Orphanet 590, MedGen C4225413, MONDO:0011600, OMIM 605809.
Congenital myasthenic syndrome (CMS). Also called: Congenital Myasthenic Syndromes. Identifiers: Orphanet 590, MedGen C0751882, MeSH D020294, MONDO:0018940.

Submissions (2):

Labcorp Genetics (formerly Invitae), Labcorp
Classification: Uncertain significance for Congenital myasthenic syndrome 4A. Last evaluated: 2022-09-01. Review status: criteria provided, single submitter. Criteria: Invitae Variant Classification Sherloc (09022015). Collection method: clinical testing. Allele origin: germline.
Comment: This variant, c.1147_1149del, results in the deletion of 1 amino acid(s) of the CHRNE protein (p.Glu383del), but otherwise preserves the integrity of the reading frame. This variant is present in population databases (no rsID available, gnomAD 0.01%). This variant has not been reported in the literature in individuals affected with CHRNE-related conditions. Experimental studies and prediction algorithms are not available or were not evaluated, and the functional significance of this variant is currently unknown. In summary, the available evidence is currently insufficient to determine the role of this variant in disease. Therefore, it has been classified as a Variant of Uncertain Significance.

Natera, Inc.
Classification: Uncertain significance for Congenital myasthenic syndrome. Last evaluated: 2020-10-27. Review status: no assertion criteria provided. Collection method: clinical testing. Allele origin: germline. Not counted in ClinVar's aggregate classification.